The following is an entry in ClinVar:

NM_007294.4(BRCA1):c.52A>G (p.Met18Val)

Gene: BRCA1 (BRCA1 DNA repair associated; minus strand). Cytogenetic location: 17q21.31.
Variant type: single nucleotide variant.
Coding change: c.52A>G on transcript NM_007294.4 (MANE Select); coding-DNA position 52, A replaced by G.
Protein change: p.Met18Val; replaces methionine 18 with valine.
Molecular consequence: missense variant. On other transcripts: 5 prime UTR variant (1), non-coding transcript variant (1).
Genome position (GRCh38, 1-based): chr17:43,124,045, T>C on the plus strand (A>G on the coding strand, the complement: BRCA1 is on the minus strand). VCF-style: chr17-43124045-T-C. GRCh37 (hg19) VCF-style: chr17-41276062-T-C.
Other names: c.-137A>G (NM_001407571.1, NM_001407853.1, NM_001407879.1 and 46 more transcripts); c.52A>G, p.Met18Val (NM_001407581.1, NM_001407582.1, NM_001407583.1 and 193 more transcripts); c.-206A>G (NM_001407694.1, NM_001407724.1, NM_001407727.1 and 11 more transcripts); c.-210A>G (NM_001407695.1, NM_001408465.1); c.-351A>G (NM_001407696.1); c.-235A>G (NM_001407697.1, NM_001407846.1, NM_001407920.1); c.-36A>G (NM_001407698.1, NM_001407732.1, NM_001407736.1 and 23 more transcripts); c.-209A>G (NM_001407725.1, NM_001407730.1, NM_001407734.1 and 22 more transcripts); and 8 more; short protein forms M18V.
Identifiers: ClinVar variation 865042 (VCV000865042.4), dbSNP rs2055727017, ClinGen allele CA10602054.
Genomic context (GRCh38, chr17:43,124,045, plus strand): 5'-TCCCAAATTAATACACTCTTGTGCTGACTTACCAGATGGGACACTCTAAGATTTTCTGCA[T>C]AGCATTAATGACATTTTGTACTTCTTCAACGCGAAGAGCAGATAAATCCATTTCTTTCTG-3'
Protein context (NP_009225.1, residues 8-28): VEEVQNVINA[Met18Val]QKILECPICL

ClinVar aggregate classification (germline): Uncertain significance (1 of 4 stars; one submission).

Submissions (2):

Women's Health and Genetics/Laboratory Corporation of America, LabCorp
Classification: Uncertain significance. Last evaluated: 2020-10-09. Review status: criteria provided, single submitter. Criteria: LabCorp Variant Classification Summary - May 2015. Collection method: clinical testing. Allele origin: germline.
Comment: Variant summary: BRCA1 c.52A>G (p.Met18Val) results in a conservative amino acid change in the encoded protein sequence. Four of five in-silico tools predict a benign effect of the variant on protein function. The variant was absent in 251084 control chromosomes. The available data on variant occurrences in the general population are insufficient to allow any conclusion about variant significance. To our knowledge, no occurrence of c.52A>G in individuals affected with Hereditary Breast And Ovarian Cancer Syndrome and no experimental evidence demonstrating its impact on protein function have been reported. No clinical diagnostic laboratories have submitted clinical-significance assessments for this variant to ClinVar after 2014. Based on the evidence outlined above, the variant was classified as uncertain significance.

Brotman Baty Institute, University of Washington
No classification provided (evidence only). Condition: Breast-ovarian cancer, familial 1. Review status: no classification provided. Collection method: in vitro. Allele origin: not applicable. Functional consequence: function_uncertain_variant. Not counted in ClinVar's aggregate classification.
ClinVar note: "not provided" was previously submitted as the classification for the variant. However, the classification appeared to be based only on an observation of functional data so it was converted to no classification on 2025-07-30.